The following is an entry in ClinVar:

ClinVar aggregate classification (germline): Uncertain significance (1 of 4 stars; one submission).

Submission:

Labcorp Genetics (formerly Invitae), Labcorp
Classification: Uncertain significance. Last evaluated: 2022-10-21. Review status: criteria provided, single submitter. Criteria: Invitae Variant Classification Sherloc (09022015). Collection method: clinical testing. Allele origin: germline.
Comment: This variant has not been reported in the literature in individuals affected with TOPORS-related conditions. This variant is present in population databases (no rsID available, gnomAD 0.0009%). This sequence change replaces lysine, which is basic and polar, with asparagine, which is neutral and polar, at codon 886 of the TOPORS protein (p.Lys886Asn). Algorithms developed to predict the effect of missense changes on protein structure and function are either unavailable or do not agree on the potential impact of this missense change (SIFT: "Tolerated"; PolyPhen-2: "Not Available"; Align-GVGD: "Class C0"). In summary, the available evidence is currently insufficient to determine the role of this variant in disease. Therefore, it has been classified as a Variant of Uncertain Significance.

NM_005802.5(TOPORS):c.2658G>C (p.Lys886Asn)

Gene: TOPORS (TOP1 binding arginine/serine rich protein, E3 ubiquitin ligase; minus strand). Cytogenetic location: 9p21.1.
Variant type: single nucleotide variant.
Coding change: c.2658G>C on transcript NM_005802.5 (MANE Select); coding-DNA position 2658, G replaced by C.
Protein change: p.Lys886Asn; replaces lysine 886 with asparagine.
Molecular consequence: missense variant.
Genome position (GRCh38, 1-based): chr9:32,541,867, C>G on the plus strand (G>C on the coding strand, the complement: TOPORS is on the minus strand). VCF-style: chr9-32541867-C-G. GRCh37 (hg19) VCF-style: chr9-32541865-C-G.
Other names: c.2463G>C, p.Lys821Asn (NM_001195622.2); short protein forms K821N, K886N.
Identifiers: ClinVar variation 2001888 (VCV002001888.4), dbSNP rs1363689362, ClinGen allele CA373162139.
Genomic context (GRCh38, chr9:32,541,867, plus strand): 5'-AACTGGGGAACGTGAAGCATTATCTCCATGGTGTTTCTTATGCTTCTTCTTATGTTTCTT[C>G]TTTTTCTTTTTATGGTGTTTAGTTGTATCAGTAGCTTTTCCTTCATAAACTATCTCTACA-3'
Protein context (NP_005793.2, residues 876-896): TDTTKHHKKK[Lys886Asn]KKHKKKHKKH